The following is an entry in ClinVar:

ClinVar aggregate classification (germline): Uncertain significance (1 of 4 stars; one submission).

Conditions:
Developmental and epileptic encephalopathy, 1 (DEE1). Also called: X-linked infantile spasms; West's syndrome; Tonic spasms with clustering, arrest of psychomotor development and hypsarrhythmia on EEG; X-Linked Infantile Spasm Syndrome; OHTAHARA SYNDROME, X-LINKED; Epileptic encephalopathy, early infantile, 1. Identifiers: MedGen C3463992, MONDO:0010632, OMIM 308350. Disease mechanism: loss of function.
Autosomal dominant nonsyndromic hearing loss 65. Also called: Deafness, autosomal dominant 65; TBC1D24-Related Autosomal Dominant Nonsyndromic Hearing Loss (DFNA). Identifiers: Orphanet 90635, MedGen C3892048, MONDO:0014470, OMIM 616044.

Submission:

Labcorp Genetics (formerly Invitae), Labcorp
Classification: Uncertain significance for Developmental and epileptic encephalopathy, 1; Autosomal dominant nonsyndromic hearing loss 65. Last evaluated: 2022-07-19. Review status: criteria provided, single submitter. Criteria: Invitae Variant Classification Sherloc (09022015). Collection method: clinical testing. Allele origin: germline.
Comment: This sequence change replaces proline, which is neutral and non-polar, with serine, which is neutral and polar, at codon 537 of the TBC1D24 protein (p.Pro537Ser). This variant is not present in population databases (gnomAD no frequency). This variant has not been reported in the literature in individuals affected with TBC1D24-related conditions. ClinVar contains an entry for this variant (Variation ID: 967949). In summary, the available evidence is currently insufficient to determine the role of this variant in disease. Therefore, it has been classified as a Variant of Uncertain Significance. Advanced modeling of protein sequence and biophysical properties (such as structural, functional, and spatial information, amino acid conservation, physicochemical variation, residue mobility, and thermodynamic stability) performed at Invitae indicates that this missense variant is expected to disrupt TBC1D24 protein function.

NM_001199107.2(TBC1D24):c.1609C>T (p.Pro537Ser)

Gene: TBC1D24 (TBC1 domain family member 24; plus strand). Cytogenetic location: 16p13.3.
Variant type: single nucleotide variant.
Coding change: c.1609C>T on transcript NM_001199107.2 (MANE Select); coding-DNA position 1609, C replaced by T.
Protein change: p.Pro537Ser; replaces proline 537 with serine.
Molecular consequence: missense variant.
Genome position (GRCh38, 1-based): chr16:2,500,887, C>T. VCF-style: chr16-2500887-C-T. GRCh37 (hg19) VCF-style: chr16-2550888-C-T.
Other names: c.1591C>T, p.Pro531Ser (NM_020705.3); short protein forms P531S, P537S.
Identifiers: ClinVar variation 967949 (VCV000967949.9), dbSNP rs2065788002, ClinGen allele CA394382264.